The following is an entry in ClinVar:

ClinVar aggregate classification (germline): Pathogenic. Review status: criteria provided, multiple submitters, no conflicts (2 of 4 stars). 2 submissions from 2 submitters: Pathogenic (2). Last evaluated 2022-04-25.

Conditions:
Hereditary cancer-predisposing syndrome. Also called: Neoplastic Syndromes, Hereditary; Hereditary Cancer Syndrome; Tumor predisposition; Hereditary neoplastic syndrome. Identifiers: Orphanet 140162, MedGen C0027672, MeSH D009386, MONDO:0015356.

Submissions (2):

Ambry Genetics
Classification: Pathogenic for Hereditary cancer-predisposing syndrome. Last evaluated: 2022-04-25. Review status: criteria provided, single submitter. Criteria: Ambry Variant Classification Scheme 2023. Collection method: clinical testing. Allele origin: germline.
Comment: The c.1000dupA pathogenic mutation, located in coding exon 7 of the FH gene, results from a duplication of A at nucleotide position 1000, causing a translational frameshift with a predicted alternate stop codon (p.S334Kfs*8). This variant is considered to be rare based on population cohorts in the Genome Aggregation Database (gnomAD). This alteration is expected to result in loss of function by premature protein truncation or nonsense-mediated mRNA decay. As such, this alteration is interpreted as a disease-causing mutation.

Labcorp Genetics (formerly Invitae), Labcorp
Classification: Pathogenic. Last evaluated: 2019-10-30. Review status: criteria provided, single submitter. Criteria: Invitae Variant Classification Sherloc (09022015). Collection method: clinical testing. Allele origin: germline.
Comment: This sequence change creates a premature translational stop signal (p.Ser334Lysfs*8) in the FH gene. It is expected to result in an absent or disrupted protein product. This variant is not present in population databases (ExAC no frequency). For these reasons, this variant has been classified as Pathogenic. Loss-of-function variants in FH are known to be pathogenic (PMID: 11865300, 21398687). This variant has not been reported in the literature in individuals with FH-related conditions.

Literature cited by the submitters: PubMed 11865300 (cited by Labcorp Genetics (formerly Invitae), Labcorp); PubMed 21398687 (cited by Labcorp Genetics (formerly Invitae), Labcorp).

NM_000143.4(FH):c.1000dup (p.Ser334fs)

Gene: FH (fumarate hydratase; minus strand). Cytogenetic location: 1q43.
Variant type: Duplication.
Coding change: c.1000dup on transcript NM_000143.4 (MANE Select); coding-DNA position 1000, one base duplicated (A; older notation c.1000dupA).
Protein change: p.Ser334fs; shifts the reading frame from serine 334.
Molecular consequence: frameshift variant.
Genome position (GRCh38, 1-based): chr1:241,504,150, T duplicated on the plus strand (A on the coding strand, the reverse complement: FH is on the minus strand). VCF-style (leftmost placement, unchanged base first): chr1-241504149-C-CT. GRCh37 (hg19) VCF-style: chr1-241667449-C-CT.
Other names: c.1000dupA (NM_000143.3); short protein forms S334fs.
Identifiers: ClinVar variation 971874 (VCV000971874.10), dbSNP rs1659853029, ClinGen allele CA1139656723.